The following is an entry in ClinVar:

NM_007294.4(BRCA1):c.4735C>G (p.Pro1579Ala)

Gene: BRCA1 (BRCA1 DNA repair associated; minus strand). Cytogenetic location: 17q21.31.
Variant type: single nucleotide variant.
Coding change: c.4735C>G on transcript NM_007294.4 (MANE Select); coding-DNA position 4735, C replaced by G.
Protein change: p.Pro1579Ala; replaces proline 1579 with alanine.
Molecular consequence: missense variant. On other transcripts: non-coding transcript variant (1).
Genome position (GRCh38, 1-based): chr17:43,071,179, G>C on the plus strand (C>G on the coding strand, the complement: BRCA1 is on the minus strand). VCF-style: chr17-43071179-G-C. GRCh37 (hg19) VCF-style: chr17-41223196-G-C.
Other names: c.1420C>G, p.Pro474Ala (NM_001408402.1, NM_001408403.1, NM_001408404.1 and 8 more transcripts); c.1345C>G, p.Pro449Ala (NM_001408416.1, NM_001408412.1, NM_001408413.1 and 2 more transcripts); c.1309C>G, p.Pro437Ala (NM_001408418.1, NM_001408419.1, NM_001408420.1); c.1306C>G, p.Pro436Ala (NM_001408421.1, NM_001408422.1, NM_001408423.1 and 1 more transcripts); c.1303C>G, p.Pro435Ala (NM_001408425.1, NM_001408426.1, NM_001408427.1 and 4 more transcripts); c.1300C>G, p.Pro434Ala (NM_001408436.1, NM_001408437.1, NM_001408438.1 and 10 more transcripts); c.1285C>G, p.Pro429Ala (NM_001408456.1, NM_001408457.1, NM_001408452.1 and 3 more transcripts); c.1282C>G, p.Pro428Ala (NM_001408458.1, NM_001408459.1, NM_001408460.1 and 7 more transcripts); and 70 more; short protein forms P1579A, P1600A, P1532A, P475A, P1425A, P1466A, P1468A, P1509A.
Identifiers: ClinVar variation 142301 (VCV000142301.31), dbSNP rs145466894, ClinGen allele CA002998.

ClinVar aggregate classification (germline): Conflicting classifications of pathogenicity. Review status: criteria provided, conflicting classifications (1 of 4 stars). 9 submissions from 9 submitters: Uncertain significance (4); Likely benign (5). Last evaluated 2026-02-02.

Conditions:
BRCA1-related cancer predisposition. Identifiers: MedGen CN377757, MONDO:0700268.
Hereditary cancer-predisposing syndrome. Also called: Tumor predisposition; Hereditary neoplastic syndrome; Hereditary Cancer Syndrome; Neoplastic Syndromes, Hereditary. Identifiers: Orphanet 140162, MedGen C0027672, MeSH D009386, MONDO:0015356.
Hereditary breast ovarian cancer syndrome. Also called: Hereditary breast and/or ovarian cancer syndrome; Breast and ovarian cancer; Hereditary breast and ovarian cancer syndrome; Hereditary breast and ovarian cancer; Hereditary breast and ovarian cancer syndrome (HBOC); BRCA1- and BRCA2-Associated Hereditary Breast and Ovarian Cancer. Identifiers: Orphanet 145, MedGen C0677776, MeSH D061325, MONDO:0003582. Disease mechanism: loss of function.
Breast-ovarian cancer, familial, susceptibility to, 1 (BROVCA1). Also called: BRCA1 Hereditary Breast and Ovarian Cancer; OVARIAN CANCER, SUSCEPTIBILITY TO. Identifiers: Orphanet 145, MedGen C2676676, MONDO:0011450, OMIM 604370. Disease mechanism: loss of function.

Allele frequency attached by ClinVar (database versions not stated): TOPMed 0.00001; gnomAD 0.00004; ESP Exome Variant Server 0.00008.
gnomAD v4.1: 7 of 1,614,060 alleles (0.00043%); highest among the groups gnomAD compares: African/African-American, 0.0093%; no homozygotes.

Submissions (9):

Women's Health and Genetics/Laboratory Corporation of America, LabCorp
Classification: Likely benign. Last evaluated: 2026-02-02. Review status: criteria provided, single submitter. Criteria: LabCorp Variant Classification Summary - May 2015. Collection method: clinical testing. Allele origin: germline.
Comment: Variant summary: BRCA1 c.4735C>G (p.Pro1579Ala) results in a non-conservative amino acid change in the encoded protein sequence. Algorithms developed to predict the effect of missense changes on protein structure and function are either unavailable or do not agree on the potential impact of this missense change. The variant allele was found at a frequency of 4e-06 in 251314 control chromosomes. The available data on variant occurrences in the general population are insufficient to allow any conclusion about variant significance. c.4735C>G has been observed in an individual affected with ovarian carcinoma (Lu_2015). These report(s) do not provide unequivocal conclusions about association of the variant with Hereditary Breast And Ovarian Cancer Syndrome. Co-occurrences with other pathogenic variant(s) have been reported (BRCA2 c.9253dupA , p.Thr3085fsX26), providing supporting evidence for a benign role. Additionally, The variant was also reported in the FLOSSIES database in a woman older than 70 years of age without any cancer, providing further supporting evidence for a benign role. Experimental evidence evaluating an impact on protein function demonstrated the variant to have similar activity to the wild-type following assessment via homology-directed repair (HDR) and transcriptional assays (Woods_2016, Lu_2015). The HDR assay qualifies as a standardized gold-standard assay on the basis of the updated guidance provided by the ClinGen Sequence Variant Interpretation (SVI) Working Group (Brnich_2019). ClinGen SVI now recognizes benign functional evidence as sufficient for likely benign (Tavtigian_2018). The following publications have been ascertained in the context of this evaluation (PMID: 30765603, 26689913, 28781887). ClinVar contains an entry for this variant (Variation ID: 142301). Based on the evidence outlined above, the variant was classified as likely benign.

Labcorp Genetics (formerly Invitae), Labcorp
Classification: Likely benign for Hereditary breast ovarian cancer syndrome. Last evaluated: 2025-11-22. Review status: criteria provided, single submitter. Criteria: Invitae Variant Classification Sherloc (09022015). Collection method: clinical testing. Allele origin: germline.

Ambry Genetics
Classification: Uncertain significance for Hereditary cancer-predisposing syndrome. Last evaluated: 2025-09-22. Review status: criteria provided, single submitter. Criteria: Ambry Variant Classification Scheme 2023. Collection method: clinical testing. Allele origin: germline.
Comment: The p.P1579A variant (also known as c.4735C>G), located in coding exon 14 of the BRCA1 gene, results from a C to G substitution at nucleotide position 4735. The proline at codon 1579 is replaced by alanine, an amino acid with highly similar properties. This alteration was functional in homology directed DNA repair (HDR) assays (Lu C et al. Nat Commun, 2015 Dec;6:10086; Adamovich AI et al. Am J Hum Genet. 2022 Apr;109(4):618-630). Additionally, this variant had 97.71% of wildtype activity in a transcription activation assay (Woods NT et al. NPJ Genom Med, 2016 Mar;1:). This amino acid position is not well conserved in available vertebrate species. In addition, the in silico prediction for this alteration is inconclusive. Based on the available evidence, the clinical significance of this variant remains unclear.

All of Us Research Program, National Institutes of Health
Classification: Likely benign for BRCA1-related cancer predisposition. Last evaluated: 2024-05-14. Review status: criteria provided, single submitter. Criteria: ACMG Guidelines, 2015. Collection method: clinical testing. Allele origin: germline. Inheritance: Autosomal dominant inheritance. Observed: 2 variant alleles, 2 heterozygotes.
Comment: This study involves interpretation of variants in research participants for the purpose of population health screening. Participant phenotype was not available at the time of variant classification. Additional details can be found in publication PMID: 35346344, PMCID: PMC8962531

Color Diagnostics, LLC DBA Color Health
Classification: Likely benign for Hereditary cancer-predisposing syndrome. Last evaluated: 2024-03-21. Review status: criteria provided, single submitter. Criteria: ACMG Guidelines, 2015. Collection method: clinical testing. Allele origin: germline.

Baylor Genetics
Classification: Uncertain significance for Breast-ovarian cancer, familial, susceptibility to, 1. Last evaluated: 2023-12-25. Review status: criteria provided, single submitter. Criteria: ACMG Guidelines, 2015. Collection method: clinical testing. Allele origin: unknown.

Quest Diagnostics Nichols Institute San Juan Capistrano
Classification: Likely benign. Last evaluated: 2023-05-03. Review status: criteria provided, single submitter. Criteria: Quest Diagnostics criteria. Collection method: clinical testing. Allele origin: unknown.

Sema4
Classification: Uncertain significance for Hereditary cancer-predisposing syndrome. Last evaluated: 2022-01-25. Review status: criteria provided, single submitter. Criteria: Sema4 Curation Guidelines. Collection method: curation. Allele origin: germline.
Comment: The BRCA1 c.4735C>G (p.P1579A) variant has been reported in at least one individual with ovarian cancer, but it is unclear whether the variant was of germline or somatic origin (PMID: 26689913). This variant was observed in 2/24968 chromosomes in the African/African American subpopulation in the large and broad cohorts of the Genome Aggregation Database (PMID: 32461654). The variant has been reported in ClinVar (Variation ID: 142301). Functional studies have not been performed, and in silico predictions of the variant's effect on protein function are inconclusive. The evidence is insufficient to meet ACMG/AMP criteria for classifying the variant as benign or pathogenic. Thus, the clinical significance of this variant is currently uncertain.

GeneDx
Classification: Uncertain significance. Last evaluated: 2016-04-21. Review status: criteria provided, single submitter. Criteria: GeneDx Variant Classification (06012015). Collection method: clinical testing. Allele origin: germline. Affected: yes.
Comment: This variant is denoted BRCA1 c.4735C>G at the cDNA level, p.Pro1579Ala (P1579A) at the protein level, and results in the change of a Proline to an Alanine (CCT>GCT). Using alternate nomenclature, this variant would be defined as BRCA1 4854C>G. BRCA1 Pro1579Ala was not observed at a significant allele frequency in the NHLBI Exome Sequencing Project. Since Proline and Alanine differ in some properties, this is considered a semi-conservative amino acid substitution. BRCA1 Pro1579Ala occurs at a position that is not conserved and is located in a region known to interact with multiple proteins (Paul 2014). In silico analyses are inconsistent regarding the effect this variant may have on protein structure and function. Based on currently available evidence, it is unclear whether BRCA1 Pro1579Ala is a pathogenic or benign variant. We consider it to be a variant of uncertain significance.

Literature cited by the submitters: PubMed 26689913 (cited by 4 submitters); PubMed 28781887 (cited by 3 submitters); PubMed 30765603 (cited by Women's Health and Genetics/Laboratory Corporation of America, LabCorp); PubMed 35196514 (cited by Ambry Genetics and Quest Diagnostics Nichols Institute San Juan Capistrano); PubMed 31853058 (cited by Quest Diagnostics Nichols Institute San Juan Capistrano); PubMed 35665744 (cited by Quest Diagnostics Nichols Institute San Juan Capistrano).